The following is an entry in ClinVar:

ClinVar aggregate classification (germline): Likely benign (1 of 4 stars; one submission).

Allele frequency attached by ClinVar (database versions not stated): gnomAD 0.00001.
gnomAD v4.1: 7 of 1,613,648 alleles (0.00043%); highest among the groups gnomAD compares: Middle Eastern, 0.016%; no homozygotes.

Submission:

GeneDx
Classification: Likely benign. Last evaluated: 2017-12-27. Review status: criteria provided, single submitter. Criteria: GeneDx Variant Classification (06012015). Collection method: clinical testing. Allele origin: germline. Affected: yes.
Comment: This variant is considered likely benign or benign based on one or more of the following criteria: it is a conservative change, it occurs at a poorly conserved position in the protein, it is predicted to be benign by multiple in silico algorithms, and/or has population frequency not consistent with disease.

NM_182476.3(COQ6):c.912G>T (p.Thr304=)

Genes: COQ6 (coenzyme Q6, monooxygenase; plus strand), ENTPD5 (ectonucleoside triphosphate diphosphohydrolase 5; minus strand). Cytogenetic location: 14q24.3.
Variant type: single nucleotide variant.
Coding change: c.912G>T on transcript NM_182476.3 (MANE Select); coding-DNA position 912, G replaced by T.
Protein change: p.Thr304=; no amino-acid change (threonine 304 retained).
Molecular consequence: synonymous variant. On other transcripts: intron variant (5), 3 prime UTR variant (1).
Genome position (GRCh38, 1-based): chr14:73,961,193, G>T. VCF-style: chr14-73961193-G-T. GRCh37 (hg19) VCF-style: chr14-74427896-G-T.
Other names: c.1201-1640C>A (NM_001382259.1, NM_001330189.2, NM_001382260.1); c.912G>T, p.Thr304= (NM_001425255.1); c.804G>T, p.Thr268= (NM_001425256.1); c.747G>T, p.Thr249= (NM_001425257.1); c.729G>T, p.Thr243= (NM_001425258.1); c.687G>T, p.Thr229= (NM_001425259.1, NM_001425260.1, NM_001425261.1); c.657G>T, p.Thr219= (NM_001425262.1); c.585G>T, p.Thr195= (NM_001425263.1); and 5 more.
Identifiers: ClinVar variation 514008 (VCV000514008.3), dbSNP rs768567530, ClinGen allele CA7264394.